The following is an entry in ClinVar:

NM_152490.5(B3GALNT2):c.439G>A (p.Val147Met)

Gene: B3GALNT2 (beta-1,3-N-acetylgalactosaminyltransferase 2; minus strand). Cytogenetic location: 1q42.3.
Variant type: single nucleotide variant.
Coding change: c.439G>A on transcript NM_152490.5 (MANE Select); coding-DNA position 439, G replaced by A.
Protein change: p.Val147Met; replaces valine 147 with methionine.
Molecular consequence: missense variant.
Genome position (GRCh38, 1-based): chr1:235,484,438, C>T on the plus strand (G>A on the coding strand, the complement: B3GALNT2 is on the minus strand). VCF-style: chr1-235484438-C-T. GRCh37 (hg19) VCF-style: chr1-235647754-C-T.
Other names: c.439G>A (NM_152490.2); c.562G>A, p.Val188Met (NM_001277155.3); short protein forms V147M, V188M.
Identifiers: ClinVar variation 1050991 (VCV001050991.6), dbSNP rs143983025, ClinGen allele CA1464908.

ClinVar aggregate classification (germline): Uncertain significance. Review status: criteria provided, multiple submitters, no conflicts (2 of 4 stars). 2 submissions from 2 submitters: Uncertain significance (2). Last evaluated 2024-04-09.

Conditions:
Muscular dystrophy-dystroglycanopathy (congenital with brain and eye anomalies), type a, 11 (MDDGA11). Also called: WALKER-WARBURG SYNDROME OR MUSCLE-EYE-BRAIN DISEASE, B3GALNT2-RELATED; Congenital muscular dystrophy-dystroglycanopathy with brain and eye anomalies, type A11; Muscular dystrophy-dystroglycanopathy (congenital with brain and eye anomalies, type A, 11. Identifiers: Orphanet 588, Orphanet 899, MedGen C3554638, MONDO:0014071, OMIM 615181.
Inborn genetic diseases. Identifiers: MedGen C0950123, MeSH D030342.

Allele frequency attached by ClinVar (database versions not stated): 1000 Genomes Project 30x 0.00016; 1000 Genomes Project 0.00020.
gnomAD v4.1: 33 of 1,614,174 alleles (0.002%); highest among the groups gnomAD compares: African/African-American, 0.017%; no homozygotes.

Submissions (2):

Ambry Genetics
Classification: Uncertain significance for Inborn genetic diseases. Last evaluated: 2024-04-09. Review status: criteria provided, single submitter. Criteria: Ambry Variant Classification Scheme 2023. Collection method: clinical testing. Allele origin: germline.

Labcorp Genetics (formerly Invitae), Labcorp
Classification: Uncertain significance for Muscular dystrophy-dystroglycanopathy (congenital with brain and eye anomalies), type a, 11. Last evaluated: 2023-12-06. Review status: criteria provided, single submitter. Criteria: Invitae Variant Classification Sherloc (09022015). Collection method: clinical testing. Allele origin: germline.
Comment: This sequence change replaces valine, which is neutral and non-polar, with methionine, which is neutral and non-polar, at codon 147 of the B3GALNT2 protein (p.Val147Met). This variant is present in population databases (rs143983025, gnomAD 0.02%). This variant has not been reported in the literature in individuals affected with B3GALNT2-related conditions. ClinVar contains an entry for this variant (Variation ID: 1050991). Advanced modeling of protein sequence and biophysical properties (such as structural, functional, and spatial information, amino acid conservation, physicochemical variation, residue mobility, and thermodynamic stability) performed at Invitae indicates that this missense variant is not expected to disrupt B3GALNT2 protein function with a negative predictive value of 80%. In summary, the available evidence is currently insufficient to determine the role of this variant in disease. Therefore, it has been classified as a Variant of Uncertain Significance.